The following is an entry in ClinVar:

ClinVar aggregate classification (germline): Uncertain significance (1 of 4 stars; one submission).

Conditions:
Methylmalonic aciduria and homocystinuria type cblF. Also called: COBALAMIN F DISEASE; COBALAMIN, DEFECT IN LYSOSOMAL RELEASE OF; METHYLMALONIC ACIDEMIA AND HOMOCYSTINURIA, cblF TYPE; METHYLMALONIC ACIDURIA DUE TO VITAMIN B12-RELEASE DEFECT; VITAMIN B12 LYSOSOMAL RELEASE DEFECT; VITAMIN B12 STORAGE DISEASE. Identifiers: Orphanet 79284, MedGen C1848578, MONDO:0010183, OMIM 277380.

Allele frequency attached by ClinVar (database versions not stated): TOPMed 0.00001.
gnomAD v4.1: 1 of 1,612,580 alleles (0.000062%); highest among the groups gnomAD compares: East Asian, 0.0022%; no homozygotes.

Submission:

Labcorp Genetics (formerly Invitae), Labcorp
Classification: Uncertain significance for Methylmalonic aciduria and homocystinuria type cblF. Last evaluated: 2024-01-16. Review status: criteria provided, single submitter. Criteria: Invitae Variant Classification Sherloc (09022015). Collection method: clinical testing. Allele origin: germline.
Comment: This sequence change replaces serine, which is neutral and polar, with arginine, which is basic and polar, at codon 229 of the LMBRD1 protein (p.Ser229Arg). This variant is not present in population databases (gnomAD no frequency). This variant has not been reported in the literature in individuals affected with LMBRD1-related conditions. Advanced modeling of protein sequence and biophysical properties (such as structural, functional, and spatial information, amino acid conservation, physicochemical variation, residue mobility, and thermodynamic stability) performed at Invitae indicates that this missense variant is not expected to disrupt LMBRD1 protein function with a negative predictive value of 80%. In summary, the available evidence is currently insufficient to determine the role of this variant in disease. Therefore, it has been classified as a Variant of Uncertain Significance.

NM_018368.4(LMBRD1):c.687C>G (p.Ser229Arg)

Gene: LMBRD1 (LMBR1 domain containing 1; minus strand). Cytogenetic location: 6q13.
Variant type: single nucleotide variant.
Coding change: c.687C>G on transcript NM_018368.4 (MANE Select); coding-DNA position 687, C replaced by G.
Protein change: p.Ser229Arg; replaces serine 229 with arginine.
Molecular consequence: missense variant.
Genome position (GRCh38, 1-based): chr6:69,719,031, G>C on the plus strand (C>G on the coding strand, the complement: LMBRD1 is on the minus strand). VCF-style: chr6-69719031-G-C. GRCh37 (hg19) VCF-style: chr6-70428923-G-C.
Other names: c.468C>G, p.Ser156Arg (NM_001363722.2, NM_001367271.1, NM_001367272.1); short protein forms S229R, S156R.
Identifiers: ClinVar variation 3023236 (VCV003023236.3), dbSNP rs745433737, ClinGen allele CA364668967.